The following is an entry in ClinVar:

NM_000843.4(GRM6):c.1561C>T (p.Pro521Ser)

Genes: GRM6 (glutamate metabotropic receptor 6; minus strand), ZNF454 (zinc finger protein 454; plus strand). Cytogenetic location: 5q35.3.
Variant type: single nucleotide variant.
Coding change: c.1561C>T on transcript NM_000843.4 (MANE Select); coding-DNA position 1561, C replaced by T.
Protein change: p.Pro521Ser; replaces proline 521 with serine.
Molecular consequence: missense variant.
Genome position (GRCh38, 1-based): chr5:178,986,693, G>A on the plus strand (C>T on the coding strand, the complement: GRM6 is on the minus strand). VCF-style: chr5-178986693-G-A. GRCh37 (hg19) VCF-style: chr5-178413694-G-A.
Other names: short protein forms P521S.
Identifiers: ClinVar variation 1907123 (VCV001907123.6), dbSNP rs750339652, ClinGen allele CA3593997.

ClinVar aggregate classification (germline): Uncertain significance. Review status: criteria provided, multiple submitters, no conflicts (2 of 4 stars). 2 submissions from 2 submitters: Uncertain significance (2). Last evaluated 2023-06-02.

Allele frequency attached by ClinVar (database versions not stated): gnomAD exomes below 0.00001; ExAC 0.00001; TOPMed 0.00002; gnomAD 0.00003.
gnomAD v4.1: 7 of 1,604,268 alleles (0.00044%); highest among the groups gnomAD compares: African/African-American, 0.0093%; no homozygotes.

Submissions (2):

Blueprint Genetics
Classification: Uncertain significance. Last evaluated: 2023-06-02. Review status: criteria provided, single submitter. Criteria: ACMG Guidelines, 2015. Collection method: clinical testing. Allele origin: germline.

Labcorp Genetics (formerly Invitae), Labcorp
Classification: Uncertain significance. Last evaluated: 2022-03-14. Review status: criteria provided, single submitter. Criteria: Invitae Variant Classification Sherloc (09022015). Collection method: clinical testing. Allele origin: germline.
Comment: This variant has not been reported in the literature in individuals affected with GRM6-related conditions. In summary, the available evidence is currently insufficient to determine the role of this variant in disease. Therefore, it has been classified as a Variant of Uncertain Significance. Advanced modeling of protein sequence and biophysical properties (such as structural, functional, and spatial information, amino acid conservation, physicochemical variation, residue mobility, and thermodynamic stability) performed at Invitae indicates that this missense variant is expected to disrupt GRM6 protein function. This variant is present in population databases (rs750339652, gnomAD 0.01%). This sequence change replaces proline, which is neutral and non-polar, with serine, which is neutral and polar, at codon 521 of the GRM6 protein (p.Pro521Ser).